The following is an entry in ClinVar:

ClinVar aggregate classification (germline): Uncertain significance (1 of 4 stars; one submission).

Conditions:
Combined immunodeficiency due to OX40 deficiency. Also called: OX40 DEFICIENCY; Immunodeficiency 16. Identifiers: Orphanet 431149, MedGen C3810053, MONDO:0014268, OMIM 615593.

Submission:

Labcorp Genetics (formerly Invitae), Labcorp
Classification: Uncertain significance for Combined immunodeficiency due to OX40 deficiency. Last evaluated: 2024-12-30. Review status: criteria provided, single submitter. Criteria: Invitae Variant Classification Sherloc (09022015). Collection method: clinical testing. Allele origin: germline.
Comment: This sequence change falls in intron 4 of the TNFRSF4 gene. It does not directly change the encoded amino acid sequence of the TNFRSF4 protein. It affects a nucleotide within the consensus splice site. Information on the frequency of this variant in the gnomAD database is not available, as this variant may be reported differently in the database. This variant has not been reported in the literature in individuals affected with TNFRSF4-related conditions. Variants that disrupt the consensus splice site are a relatively common cause of aberrant splicing (PMID: 17576681, 9536098). Experimental studies and prediction algorithms are not available or were not evaluated, and the effect of this variant on mRNA splicing is currently unknown. In summary, the available evidence is currently insufficient to determine the role of this variant in disease. Therefore, it has been classified as a Variant of Uncertain Significance.

Literature cited by the submitters: PubMed 17576681; PubMed 9536098.

NM_003327.4(TNFRSF4):c.437+6_437+7delinsAT

Gene: TNFRSF4 (TNF receptor superfamily member 4; minus strand). Cytogenetic location: 1p36.33.
Variant type: Indel.
Coding change: c.437+6_437+7delinsAT on transcript NM_003327.4 (MANE Select); bases 6 to 7 of the intron after coding-DNA position 437, GG replaced by AT.
Molecular consequence: intron variant.
Genome position (GRCh38, 1-based): chr1:1,212,631-1,212,632, CC replaced by AT on the plus strand (GG replaced by AT on the coding strand, the reverse complement: TNFRSF4 is on the minus strand). VCF-style: chr1-1212631-CC-AT. GRCh37 (hg19) VCF-style: chr1-1148011-CC-AT.
Other names: c.437+6_437+7delinsAT (NM_001410709.1).
Identifiers: ClinVar variation 3711667 (VCV003711667.2).
Genomic context (GRCh38, chr1:1,212,631, plus strand): 5'-CTCCTCCGCCCTCCTAACCACCCCAACCCCCCCCCAGCCCCTCCCAGCCCCTGGCCAGGC[CC>AT]CTCACTTGGTCCAGGGCTTGCAGGCCTGGTTGTCGCCTGGGGAGAAGTGCCCTGGAGGGC-3'